The following is an entry in ClinVar:

ClinVar aggregate classification (germline): Pathogenic. Review status: no assertion criteria provided (0 of 4 stars). 2 submissions from 2 submitters: Pathogenic (2). Last evaluated 2024-10-15.

Conditions:
Pyruvate dehydrogenase E1-alpha deficiency (PDHAD). Also called: ATAXIA, INTERMITTENT, WITH PYRUVATE DEHYDROGENASE DEFICIENCY; ATAXIA WITH LACTIC ACIDOSIS I; ATAXIA, INTERMITTENT, WITH ABNORMAL PYRUVATE METABOLISM; Ataxia, intermittent, with pyruvate dehydrogenase, or decarboxylase, deficiency. Identifiers: Orphanet 79243, MedGen C1839413, MONDO:0010717, OMIM 312170.

Submissions (2):

PDHA1 Study Group, University Children’s Hospital, Paracelsus Medical University
Classification: Pathogenic for Pyruvate dehydrogenase E1-alpha deficiency. Last evaluated: 2024-10-15. Review status: no assertion criteria provided. Collection method: research. Allele origin: germline. Affected: yes. Observed: 1 variant allele.
Comment: The NM_000284.3:c.1159_1160del (p.Lys387ValfsTer44) change is a frameshift variant in PDHA1 gene. This variant is predicted to escape nonsense-mediated decay (NMD). The variant has been reported in 1 published case (PMIDs: 1909401). Last literature search: July 12, 2024. This variant is absent or extremely rare in population-based cohorts in the Genome Aggregation Database (gnomAD). Individuals harboring this variant presented with clinical features compatible with PDHA1-related PDHc deficiency. In summary, this variant meets criteria to be classified as likely pathogenic (LP) for PDHA1-related PDHc deficiency based on the ACMG/AMP criteria applied: PM1, PM2, PP4, PP6 (last assessment October 15, 2024).

OMIM
Classification: Pathogenic for PYRUVATE DEHYDROGENASE E1-ALPHA DEFICIENCY. Last evaluated: 1991-01-01. Review status: no assertion criteria provided. Collection method: literature only. Allele origin: germline.

Literature cited by the submitters: PubMed 1909401 (cited by PDHA1 Study Group, University Children’s Hospital, Paracelsus Medical University and OMIM); DOI 10.1093/brain/awaf430 (cited by PDHA1 Study Group, University Children’s Hospital, Paracelsus Medical University).

NM_000284.4(PDHA1):c.1159_1160del (p.Lys387fs)

Gene: PDHA1 (pyruvate dehydrogenase E1 subunit alpha 1; plus strand). Cytogenetic location: Xp22.12.
Variant type: Deletion.
Coding change: c.1159_1160del on transcript NM_000284.4 (MANE Select); coding-DNA positions 1159 to 1160, 2 bases deleted (AA; older notation c.1159_1160delAA).
Protein change: p.Lys387fs; shifts the reading frame from lysine 387.
Molecular consequence: frameshift variant.
Genome position (GRCh38, 1-based): chrX:19,359,639-19,359,640, AA deleted. VCF-style (leftmost placement, unchanged base first): chrX-19359638-TAA-T. GRCh37 (hg19) VCF-style: chrX-19377756-TAA-T.
Other names: c.1273_1274del, p.Lys425fs (NM_001173454.2); c.1180_1181del, p.Lys394fs (NM_001173455.2); c.1066_1067del, p.Lys356fs (NM_001173456.2); short protein forms K356fs, K425fs, K394fs, K387fs.
Identifiers: ClinVar variation 10875 (VCV000010875.2), dbSNP rs606231186, ClinGen allele CA121209.
Genomic context (GRCh38, chrX:19,359,638, plus strand): 5'-CCACATCTACTCCAGCGACCCACCTTTTGAAGTTCGTGGTGCCAATCAGTGGATCAAGTT[TAA>T]GTCAGTCAGTTAAGGGGAGGAGAAGGAGAGGTTATACCTTCAGGGGGCTACCAGACAGTG-3'